The following is an entry in ClinVar:

ClinVar aggregate classification (germline): Uncertain significance (1 of 4 stars; one submission).

gnomAD v4.1: 1 of 1,555,358 alleles (0.000064%); highest among the groups gnomAD compares: Non-Finnish European, 0.000087%; no homozygotes.

Submission:

Labcorp Genetics (formerly Invitae), Labcorp
Classification: Uncertain significance. Last evaluated: 2022-02-04. Review status: criteria provided, single submitter. Criteria: Invitae Variant Classification Sherloc (09022015). Collection method: clinical testing. Allele origin: germline.
Comment: This sequence change replaces leucine, which is neutral and non-polar, with phenylalanine, which is neutral and non-polar, at codon 41 of the PIGB protein (p.Leu41Phe). This variant is not present in population databases (gnomAD no frequency). This variant has not been reported in the literature in individuals affected with PIGB-related conditions. Algorithms developed to predict the effect of missense changes on protein structure and function are either unavailable or do not agree on the potential impact of this missense change (SIFT: "Tolerated"; PolyPhen-2: "Possibly Damaging"; Align-GVGD: "Class C0"). In summary, the available evidence is currently insufficient to determine the role of this variant in disease. Therefore, it has been classified as a Variant of Uncertain Significance.

NM_004855.5(PIGB):c.123G>C (p.Leu41Phe)

Gene: PIGB (phosphatidylinositol glycan anchor biosynthesis class B; plus strand). Cytogenetic location: 15q21.3.
Variant type: single nucleotide variant.
Coding change: c.123G>C on transcript NM_004855.5 (MANE Select); coding-DNA position 123, G replaced by C.
Protein change: p.Leu41Phe; replaces leucine 41 with phenylalanine.
Molecular consequence: missense variant.
Genome position (GRCh38, 1-based): chr15:55,319,373, G>C. VCF-style: chr15-55319373-G-C. GRCh37 (hg19) VCF-style: chr15-55611571-G-C.
Other names: short protein forms L41F.
Identifiers: ClinVar variation 1955057 (VCV001955057.2), dbSNP rs559364798, ClinGen allele CA270774396.